The following is an entry in ClinVar:

ClinVar aggregate classification (germline): Uncertain significance (1 of 4 stars; one submission).

Conditions:
P4HA2-related disorder. Also called: P4HA2-related condition.

Submission:

PreventionGenetics, part of Exact Sciences
Classification: Uncertain significance for P4HA2-related condition. Last evaluated: 2023-09-14. Review status: criteria provided, single submitter. Criteria: ACMG Guidelines, 2015. Collection method: clinical testing. Allele origin: germline.
Comment: The P4HA2 c.476A>G variant is predicted to result in the amino acid substitution p.Lys159Arg. To our knowledge, this variant has not been reported in the literature or in a large population database, indicating this variant is rare. At this time, the clinical significance of this variant is uncertain due to the absence of conclusive functional and genetic evidence.

NM_001017974.2(P4HA2):c.476A>G (p.Lys159Arg)

Gene: P4HA2 (prolyl 4-hydroxylase subunit alpha 2; minus strand). Cytogenetic location: 5q31.1.
Variant type: single nucleotide variant.
Coding change: c.476A>G on transcript NM_001017974.2 (MANE Select); coding-DNA position 476, A replaced by G.
Protein change: p.Lys159Arg; replaces lysine 159 with arginine.
Molecular consequence: missense variant.
Genome position (GRCh38, 1-based): chr5:132,210,517, T>C on the plus strand (A>G on the coding strand, the complement: P4HA2 is on the minus strand). VCF-style: chr5-132210517-T-C. GRCh37 (hg19) VCF-style: chr5-131546210-T-C.
Other names: c.476A>G, p.Lys159Arg (NM_001017973.1, NM_001142598.2, NM_001142599.2 and 6 more transcripts); short protein forms K159R.
Identifiers: ClinVar variation 2630750 (VCV002630750.1), dbSNP rs2531767756, ClinGen allele CA360801061.
Genomic context (GRCh38, chr5:132,210,517, plus strand): 5'-TCATTGTAGGCCGAGCGGCCCATCCCAAAGCAGTCATCCACACTCAGCATTGCCTGGTAC[T>C]TGGTTCCTACAGCAGGGGAAGTAAATTGTCAGGCTCCAAAGAGCCTCTGGATTAGGGAAA-3'
Protein context (NP_001017974.1, residues 149-169): TISRGELPGT[Lys159Arg]YQAMLSVDDC